The following is an entry in ClinVar:

ClinVar aggregate classification (germline): Uncertain significance (1 of 4 stars; one submission).

Conditions:
Inborn genetic diseases. Identifiers: MedGen C0950123, MeSH D030342.

Submission:

Ambry Genetics
Classification: Uncertain significance for Inborn genetic diseases. Last evaluated: 2024-12-07. Review status: criteria provided, single submitter. Criteria: Ambry Variant Classification Scheme 2023. Collection method: clinical testing. Allele origin: germline.
Comment: The p.E1254Q variant (also known as c.3760G>C), located in coding exon 37 of the FANCA gene, results from a G to C substitution at nucleotide position 3760. The glutamic acid at codon 1254 is replaced by glutamine, an amino acid with highly similar properties. This amino acid position is conserved. In addition, the in silico prediction for this alteration is inconclusive. Based on the available evidence, the clinical significance of this variant remains unclear.

NM_000135.4(FANCA):c.3760G>C (p.Glu1254Gln)

Gene: FANCA (FA complementation group A; minus strand). Cytogenetic location: 16q24.3.
Variant type: single nucleotide variant.
Coding change: c.3760G>C on transcript NM_000135.4 (MANE Select); coding-DNA position 3760, G replaced by C.
Protein change: p.Glu1254Gln; replaces glutamic acid 1254 with glutamine.
Molecular consequence: missense variant.
Genome position (GRCh38, 1-based): chr16:89,742,805, C>G on the plus strand (G>C on the coding strand, the complement: FANCA is on the minus strand). VCF-style: chr16-89742805-C-G. GRCh37 (hg19) VCF-style: chr16-89809213-C-G.
Other names: c.3760G>C, p.Glu1254Gln (NM_001286167.3); short protein forms E1254Q.
Identifiers: ClinVar variation 3512716 (VCV003512716.1).